The following is an entry in ClinVar:

ClinVar aggregate classification (germline): Uncertain significance. Review status: criteria provided, multiple submitters, no conflicts (2 of 4 stars). 2 submissions from 2 submitters: Uncertain significance (2). Last evaluated 2024-02-23.

Conditions:
Inborn genetic diseases. Identifiers: MedGen C0950123, MeSH D030342.
Symmetrical dyschromatosis of extremities (DSH). Also called: DYSCHROMATOSIS SYMMETRICA HEREDITARIA 1; RETICULATE ACROPIGMENTATION OF DOHI; SYMMETRIC DYSCHROMATOSIS OF THE EXTREMITIES; Dyschromatosis symmetrica hereditaria. Identifiers: Orphanet 41, MedGen C0406775, MONDO:0007483, OMIM 127400.
Aicardi-Goutieres syndrome 6 (AGS6). Identifiers: Orphanet 51, MedGen C3539013, MONDO:0014007, OMIM 615010.

Allele frequency attached by ClinVar (database versions not stated): gnomAD exomes below 0.00001; TOPMed below 0.00001.
gnomAD v4.1: 7 of 1,614,212 alleles (0.00043%); highest among the groups gnomAD compares: Middle Eastern, 0.033%; no homozygotes.

Submissions (2):

Labcorp Genetics (formerly Invitae), Labcorp
Classification: Uncertain significance for Aicardi-Goutieres syndrome 6; Symmetrical dyschromatosis of extremities. Last evaluated: 2024-02-23. Review status: criteria provided, single submitter. Criteria: Invitae Variant Classification Sherloc (09022015). Collection method: clinical testing. Allele origin: germline.
Comment: This sequence change replaces glycine, which is neutral and non-polar, with glutamic acid, which is acidic and polar, at codon 33 of the ADAR protein (p.Gly33Glu). This variant is not present in population databases (gnomAD no frequency). This variant has not been reported in the literature in individuals affected with ADAR-related conditions. ClinVar contains an entry for this variant (Variation ID: 654556). Algorithms developed to predict the effect of missense changes on protein structure and function output the following: SIFT: "Not Available"; PolyPhen-2: "Benign"; Align-GVGD: "Not Available". The glutamic acid amino acid residue is found in multiple mammalian species, which suggests that this missense change does not adversely affect protein function. In summary, the available evidence is currently insufficient to determine the role of this variant in disease. Therefore, it has been classified as a Variant of Uncertain Significance.

Ambry Genetics
Classification: Uncertain significance for Inborn genetic diseases. Last evaluated: 2023-07-11. Review status: criteria provided, single submitter. Criteria: Ambry Variant Classification Scheme 2023. Collection method: clinical testing. Allele origin: germline.

NM_001111.5(ADAR):c.98G>A (p.Gly33Glu)

Gene: ADAR (adenosine deaminase RNA specific; minus strand). Cytogenetic location: 1q21.3.
Variant type: single nucleotide variant.
Coding change: c.98G>A on transcript NM_001111.5 (MANE Select); coding-DNA position 98, G replaced by A.
Protein change: p.Gly33Glu; replaces glycine 33 with glutamic acid.
Molecular consequence: missense variant. On other transcripts: 5 prime UTR variant (6).
Genome position (GRCh38, 1-based): chr1:154,602,544, C>T on the plus strand (G>A on the coding strand, the complement: ADAR is on the minus strand). VCF-style: chr1-154602544-C-T. GRCh37 (hg19) VCF-style: chr1-154575020-C-T.
Other names: c.-788G>A (NM_001025107.3, NM_001193495.2, NM_001365048.1); c.125G>A, p.Gly42Glu (NM_001365045.1); c.-652G>A (NM_001365046.1, NM_001365047.1, NM_001365049.1); c.98G>A, p.Gly33Glu (NM_015840.4, NM_015841.4, LRG_1212t1); short protein forms G33E, G42E.
Identifiers: ClinVar variation 654556 (VCV000654556.12), dbSNP rs1571113228, ClinGen allele CA342606979.